The following is an entry in ClinVar:

NM_000334.4(SCN4A):c.2216T>C (p.Leu739Pro)

Genes: GH-LCR (growth hormone locus control region; plus strand), SCN4A (sodium voltage-gated channel alpha subunit 4; minus strand). Cytogenetic location: 17q23.3.
Variant type: single nucleotide variant.
Coding change: c.2216T>C on transcript NM_000334.4 (MANE Select); coding-DNA position 2216, T replaced by C.
Protein change: p.Leu739Pro; replaces leucine 739 with proline.
Molecular consequence: missense variant.
Genome position (GRCh38, 1-based): chr17:63,957,322, A>G on the plus strand (T>C on the coding strand, the complement: SCN4A is on the minus strand). VCF-style: chr17-63957322-A-G. GRCh37 (hg19) VCF-style: chr17-62034682-A-G.
Other names: short protein forms L739P.
Identifiers: ClinVar variation 4747007 (VCV004747007.1).

ClinVar aggregate classification (germline): Uncertain significance (1 of 4 stars; one submission).

Conditions:
Hyperkalemic periodic paralysis. Also called: Familial hyperkalemic periodic paralysis; Gamstorp disease. Identifiers: Orphanet 682, MedGen C0238357, MONDO:0008224, OMIM 170500, HP:0007215.

Submission:

Labcorp Genetics (formerly Invitae), Labcorp
Classification: Uncertain significance for Hyperkalemic periodic paralysis. Last evaluated: 2025-11-13. Review status: criteria provided, single submitter. Criteria: Invitae Variant Classification Sherloc (09022015). Collection method: clinical testing. Allele origin: germline.
Comment: This sequence change replaces leucine, which is neutral and non-polar, with proline, which is neutral and non-polar, at codon 739 of the SCN4A protein (p.Leu739Pro). This variant is not present in population databases (gnomAD no frequency). This variant has not been reported in the literature in individuals affected with SCN4A-related conditions. Invitae Evidence Modeling of protein sequence and biophysical properties (such as structural, functional, and spatial information, amino acid conservation, physicochemical variation, residue mobility, and thermodynamic stability) has been performed for this missense variant. However, the output from this modeling did not meet the statistical confidence thresholds required to predict the impact of this variant on SCN4A protein function. In summary, the available evidence is currently insufficient to determine the role of this variant in disease. Therefore, it has been classified as a Variant of Uncertain Significance.